The following is an entry in ClinVar:

ClinVar aggregate classification (germline): Uncertain significance (1 of 4 stars; one submission).

Allele frequency attached by ClinVar (database versions not stated): gnomAD exomes below 0.00001.

Submission:

Labcorp Genetics (formerly Invitae), Labcorp
Classification: Uncertain significance. Last evaluated: 2022-08-10. Review status: criteria provided, single submitter. Criteria: Invitae Variant Classification Sherloc (09022015). Collection method: clinical testing. Allele origin: germline.
Comment: This sequence change replaces arginine, which is basic and polar, with histidine, which is basic and polar, at codon 159 of the FOXA2 protein (p.Arg159His). This variant is not present in population databases (gnomAD no frequency). This variant has not been reported in the literature in individuals affected with FOXA2-related conditions. ClinVar contains an entry for this variant (Variation ID: 1436083). Algorithms developed to predict the effect of missense changes on protein structure and function (SIFT, PolyPhen-2, Align-GVGD) all suggest that this variant is likely to be disruptive. In summary, the available evidence is currently insufficient to determine the role of this variant in disease. Therefore, it has been classified as a Variant of Uncertain Significance.

NM_021784.5(FOXA2):c.476G>A (p.Arg159His)

Gene: FOXA2 (forkhead box A2; minus strand). Cytogenetic location: 20p11.21.
Variant type: single nucleotide variant.
Coding change: c.476G>A on transcript NM_021784.5 (MANE Select); coding-DNA position 476, G replaced by A.
Protein change: p.Arg159His; replaces arginine 159 with histidine.
Molecular consequence: missense variant.
Genome position (GRCh38, 1-based): chr20:22,582,766, C>T on the plus strand (G>A on the coding strand, the complement: FOXA2 is on the minus strand). VCF-style: chr20-22582766-C-T. GRCh37 (hg19) VCF-style: chr20-22563404-C-T.
Other names: c.458G>A, p.Arg153His (NM_153675.3); short protein forms R159H, R153H.
Identifiers: ClinVar variation 1436083 (VCV001436083.8), dbSNP rs2122993608, ClinGen allele CA408502457.